The following is an entry in ClinVar:

ClinVar aggregate classification (germline): Benign. Review status: criteria provided, multiple submitters, no conflicts (2 of 4 stars). 5 submissions from 5 submitters: Benign (5). Last evaluated 2026-02-04.

Conditions:
Mitochondrial trifunctional protein deficiency. Identifiers: Orphanet 746, MedGen C1969443, MONDO:0012172.

Allele frequency attached by ClinVar (database versions not stated): 1000 Genomes Project 30x 0.14225; 1000 Genomes Project 0.14557; TOPMed 0.16259; ESP Exome Variant Server 0.16400; gnomAD 0.17317 and 0.17489; gnomAD exomes 0.20374 and 0.21064; ExAC 0.20587.
gnomAD v4.1: 322,973 of 1,605,278 alleles (20%); highest among the groups gnomAD compares: Middle Eastern, 25%; 34,644 homozygotes.

Submissions (5):

Labcorp Genetics (formerly Invitae), Labcorp
Classification: Benign for Mitochondrial trifunctional protein deficiency. Last evaluated: 2026-02-04. Review status: criteria provided, single submitter. Criteria: Invitae Variant Classification Sherloc (09022015). Collection method: clinical testing. Allele origin: germline.

Mayo Clinic Laboratories, Mayo Clinic
Classification: Benign. Last evaluated: 2022-03-10. Review status: criteria provided, single submitter. Criteria: ACMG Guidelines, 2015. Collection method: clinical testing. Allele origin: germline. Observed: 767 variant alleles.

Illumina Laboratory Services, Illumina
Classification: Benign for Mitochondrial trifunctional protein deficiency 1. Last evaluated: 2018-01-13. Review status: criteria provided, single submitter. Criteria: ICSL Variant Classification Criteria 13 December 2019. Collection method: clinical testing. Allele origin: germline.
Comment: This variant was observed in the ICSL laboratory as part of a predisposition screen in an ostensibly healthy population. It had not been previously curated by ICSL or reported in the Human Gene Mutation Database (HGMD: prior to June 1st, 2018), and was therefore a candidate for classification through an automated scoring system. Utilizing variant allele frequency, disease prevalence and penetrance estimates, and inheritance mode, an automated score was calculated to assess if this variant is too frequent to cause the disease. Based on the score and internal cut-off values, a variant classified as benign is not then subjected to further curation. The score for this variant resulted in a classification of benign for this disease.

GeneDx
Classification: Benign. Last evaluated: 2015-03-03. Review status: criteria provided, single submitter. Criteria: GeneDx Variant Classification Process June 2021. Collection method: clinical testing. Allele origin: germline. Affected: yes.

Breakthrough Genomics
Classification: Benign. Review status: criteria provided, single submitter. Criteria: ACMG Guidelines, 2015. Collection method: not provided. Allele origin: germline. Inheritance: Autosomal recessive inheritance. Affected: yes.

NM_000183.3(HADHB):c.825T>C (p.Val275=)

Gene: HADHB (hydroxyacyl-CoA dehydrogenase trifunctional multienzyme complex subunit beta; plus strand). Cytogenetic location: 2p23.3.
Variant type: single nucleotide variant.
Coding change: c.825T>C on transcript NM_000183.3 (MANE Select); coding-DNA position 825, T replaced by C.
Protein change: p.Val275=; no amino-acid change (valine 275 retained).
Molecular consequence: synonymous variant.
Genome position (GRCh38, 1-based): chr2:26,280,007, T>C. VCF-style: chr2-26280007-T-C. GRCh37 (hg19) VCF-style: chr2-26502875-T-C.
Other names: p.Val275=; c.780T>C, p.Val260= (NM_001281512.2); c.759T>C, p.Val253= (NM_001281513.2).
Identifiers: ClinVar variation 335407 (VCV000335407.18), dbSNP rs1056389, ClinGen allele CA1560353.